The following is an entry in ClinVar:

NM_004329.3(BMPR1A):c.396G>A (p.Gln132=)

Gene: BMPR1A (bone morphogenetic protein receptor type 1A; plus strand). Cytogenetic location: 10q23.2.
Variant type: single nucleotide variant.
Coding change: c.396G>A on transcript NM_004329.3 (MANE Select); coding-DNA position 396, G replaced by A.
Protein change: p.Gln132=; no amino-acid change (glutamine 132 retained).
Molecular consequence: synonymous variant.
Genome position (GRCh38, 1-based): chr10:86,899,856, G>A. VCF-style: chr10-86899856-G-A. GRCh37 (hg19) VCF-style: chr10-88659613-G-A.
Identifiers: ClinVar variation 630972 (VCV000630972.12), dbSNP rs1564717712, ClinGen allele CA470306593.

ClinVar aggregate classification (germline): Benign/Likely benign. Review status: criteria provided, multiple submitters, no conflicts (2 of 4 stars). 3 submissions from 3 submitters: Benign (1); Likely benign (2). Last evaluated 2024-08-01.

Conditions:
Juvenile polyposis syndrome (JPS). Identifiers: Orphanet 2929, MedGen C0345893, MONDO:0017380, OMIM 174900.
Hereditary cancer-predisposing syndrome. Also called: Hereditary Cancer Syndrome; Neoplastic Syndromes, Hereditary; Tumor predisposition; Hereditary neoplastic syndrome. Identifiers: Orphanet 140162, MedGen C0027672, MeSH D009386, MONDO:0015356.

Submissions (3):

Myriad Genetics, Inc.
Classification: Benign for Juvenile polyposis syndrome. Last evaluated: 2024-08-01. Review status: criteria provided, single submitter. Criteria: Myriad Autosomal Dominant, Autosomal Recessive and X-Linked Classification Criteria (2023). Collection method: clinical testing. Allele origin: unknown.
Comment: This variant is considered benign. This variant is a silent/synonymous amino acid change and it is not expected to impact splicing.

Labcorp Genetics (formerly Invitae), Labcorp
Classification: Likely benign for Juvenile polyposis syndrome. Last evaluated: 2020-10-27. Review status: criteria provided, single submitter. Criteria: Invitae Variant Classification Sherloc (09022015). Collection method: clinical testing. Allele origin: germline.

Color Diagnostics, LLC DBA Color Health
Classification: Likely benign for Hereditary cancer-predisposing syndrome. Last evaluated: 2017-12-05. Review status: criteria provided, single submitter. Criteria: ACMG Guidelines, 2015. Collection method: clinical testing. Allele origin: germline.